The following is an entry in ClinVar:

ClinVar aggregate classification (germline): Uncertain significance. Review status: criteria provided, single submitter (1 of 4 stars). 2 submissions from 2 submitters: Uncertain significance (1). 1 of the submissions does not count toward it. Last evaluated 2025-12-02.

Conditions:
Diamond-Blackfan anemia. Also called: Blackfan Diamond syndrome; Aregenerative anemia chronic congenital; Red cell aplasia, pure hereditary; Congenital hypoplastic anemia; Aase syndrome. Identifiers: Orphanet 124, MedGen C1260899, MeSH D029503, MONDO:0015253, HP:0004810.
RPS10-related disorder. Also called: RPS10-related condition.

Allele frequency attached by ClinVar (database versions not stated): gnomAD exomes 0.00010; ExAC 0.00003; gnomAD 0.00003 and 0.00004; TOPMed 0.00004.

Submissions (2):

Labcorp Genetics (formerly Invitae), Labcorp
Classification: Uncertain significance for Diamond-Blackfan anemia. Last evaluated: 2025-12-02. Review status: criteria provided, single submitter. Criteria: Invitae Variant Classification Sherloc (09022015). Collection method: clinical testing. Allele origin: germline.
Comment: This sequence change replaces proline, which is neutral and non-polar, with serine, which is neutral and polar, at codon 134 of the RPS10 protein (p.Pro134Ser). This variant is present in population databases (rs759213353, gnomAD 0.05%), and has an allele count higher than expected for a pathogenic variant. This variant has not been reported in the literature in individuals affected with RPS10-related conditions. ClinVar contains an entry for this variant (Variation ID: 965050). An algorithm developed to predict the effect of missense changes on protein structure and function outputs the following: PolyPhen-2: "Benign". The serine amino acid residue is found in multiple mammalian species, which suggests that this missense change does not adversely affect protein function. In summary, the available evidence is currently insufficient to determine the role of this variant in disease. Therefore, it has been classified as a Variant of Uncertain Significance.

PreventionGenetics, part of Exact Sciences
Classification: Uncertain significance for RPS10-related condition. Last evaluated: 2023-11-24. Review status: no assertion criteria provided. Collection method: clinical testing. Allele origin: germline. Not counted in ClinVar's aggregate classification.
Comment: The RPS10 c.400C>T variant is predicted to result in the amino acid substitution p.Pro134Ser. To our knowledge, this variant has not been reported in the literature. This variant is reported in 0.054% of alleles in individuals of Latino descent in gnomAD. Although we suspect that this variant may be benign, at this time, the clinical significance of this variant is uncertain due to the absence of conclusive functional and genetic evidence.

NM_001014.5(RPS10):c.400C>T (p.Pro134Ser)

Genes: RPS10 (ribosomal protein S10; minus strand), RPS10-NUDT3 (RPS10-NUDT3 readthrough; minus strand). Cytogenetic location: 6p21.31.
Variant type: single nucleotide variant.
Coding change: c.400C>T on transcript NM_001014.5 (MANE Select); coding-DNA position 400, C replaced by T.
Protein change: p.Pro134Ser; replaces proline 134 with serine.
Molecular consequence: missense variant.
Genome position (GRCh38, 1-based): chr6:34,421,730, G>A on the plus strand (C>T on the coding strand, the complement: RPS10 is on the minus strand). VCF-style: chr6-34421730-G-A. GRCh37 (hg19) VCF-style: chr6-34389507-G-A.
Other names: c.400C>T, p.Pro134Ser (NM_001202470.3, NM_001203245.3, NM_001204091.2); short protein forms P134S.
Identifiers: ClinVar variation 965050 (VCV000965050.10), dbSNP rs759213353, ClinGen allele CA3765042.